The following is an entry in ClinVar:

NM_080473.5(GATA5):c.721C>T (p.Leu241Phe)

Gene: GATA5 (GATA binding protein 5; minus strand). Cytogenetic location: 20q13.33.
Variant type: single nucleotide variant.
Coding change: c.721C>T on transcript NM_080473.5 (MANE Select); coding-DNA position 721, C replaced by T.
Protein change: p.Leu241Phe; replaces leucine 241 with phenylalanine.
Molecular consequence: missense variant.
Genome position (GRCh38, 1-based): chr20:62,466,530, G>A on the plus strand (C>T on the coding strand, the complement: GATA5 is on the minus strand). VCF-style: chr20-62466530-G-A. GRCh37 (hg19) VCF-style: chr20-61041586-G-A.
Other names: c.721C>T (NM_080473.4); short protein forms L241F.
Identifiers: ClinVar variation 1361213 (VCV001361213.10), dbSNP rs781965965, ClinGen allele CA9946210.

ClinVar aggregate classification (germline): Uncertain significance. Review status: criteria provided, multiple submitters, no conflicts (2 of 4 stars). 3 submissions from 3 submitters: Uncertain significance (3). Last evaluated 2024-02-06.

Allele frequency attached by ClinVar (database versions not stated): gnomAD 0.00001; gnomAD exomes 0.00001; TOPMed 0.00002; ExAC 0.00005.

Submissions (3):

Ambry Genetics
Classification: Uncertain significance. Last evaluated: 2024-02-06. Review status: criteria provided, single submitter. Criteria: Ambry Variant Classification Scheme 2023. Collection method: clinical testing. Allele origin: germline.

GeneDx
Classification: Uncertain significance. Last evaluated: 2023-10-30. Review status: criteria provided, single submitter. Criteria: GeneDx Variant Classification Process June 2021. Collection method: clinical testing. Allele origin: germline. Affected: yes.
Comment: Not observed at significant frequency in large population cohorts (gnomAD); In silico analysis supports that this missense variant has a deleterious effect on protein structure/function; Has not been previously published as pathogenic or benign to our knowledge

Labcorp Genetics (formerly Invitae), Labcorp
Classification: Uncertain significance. Last evaluated: 2021-05-10. Review status: criteria provided, single submitter. Criteria: Invitae Variant Classification Sherloc (09022015). Collection method: clinical testing. Allele origin: germline.
Comment: Algorithms developed to predict the effect of missense changes on protein structure and function are either unavailable or do not agree on the potential impact of this missense change (SIFT: "Tolerated"; PolyPhen-2: "Probably Damaging"; Align-GVGD: "Class C0"). This variant has not been reported in the literature in individuals with GATA5-related conditions. This variant is present in population databases (rs781965965, ExAC 0.04%). This sequence change replaces leucine with phenylalanine at codon 241 of the GATA5 protein (p.Leu241Phe). The leucine residue is highly conserved and there is a small physicochemical difference between leucine and phenylalanine. In summary, the available evidence is currently insufficient to determine the role of this variant in disease. Therefore, it has been classified as a Variant of Uncertain Significance.